The following is an entry in ClinVar:

ClinVar aggregate classification (germline): Pathogenic/Likely pathogenic. Review status: criteria provided, multiple submitters, no conflicts (2 of 4 stars). 2 submissions from 2 submitters: Pathogenic (1); Likely pathogenic (1). Last evaluated 2025-09-02.

Conditions:
Tyrosinase-positive oculocutaneous albinism (OCA2). Also called: Oculocutaneous albinism type 2; ALBINISM II; Albinism, oculocutaneous, type II. Identifiers: Orphanet 79432, MedGen C0268495, MONDO:0008746, OMIM 203200.

Submissions (2):

Myriad Genetics, Inc.
Classification: Pathogenic for Tyrosinase-positive oculocutaneous albinism. Last evaluated: 2025-09-02. Review status: criteria provided, single submitter. Criteria: Myriad Autosomal Dominant, Autosomal Recessive and X-Linked Classification Criteria (2023). Collection method: clinical testing. Allele origin: unknown.
Comment: NM_000275.2(OCA2):c.1258_1264del7(G420Cfs*4) is expected to be pathogenic in the context of oculocutaneous albinism, OCA2-related. This variant is predicted to lead to an abnormal or absent protein product due to the creation of a premature termination codon in OCA2, a gene where loss-of-function variants are known to be pathogenic. Please note: this variant was assessed in the context of healthy population screening.

Revvity Omics, Revvity
Classification: Likely pathogenic. Last evaluated: 2021-08-31. Review status: criteria provided, single submitter. Criteria: ACMG Guidelines, 2015. Collection method: clinical testing. Allele origin: germline.

NM_000275.3(OCA2):c.1258_1264del (p.Gly420fs)

Gene: OCA2 (OCA2 melanosomal transmembrane protein; minus strand). Cytogenetic location: 15q13.1.
Variant type: Deletion.
Coding change: c.1258_1264del on transcript NM_000275.3 (MANE Select); coding-DNA positions 1258 to 1264, 7 bases deleted (GGACGGG; older notation c.1258_1264delGGACGGG).
Protein change: p.Gly420fs; shifts the reading frame from glycine 420.
Molecular consequence: frameshift variant.
Genome position (GRCh38, 1-based): chr15:27,985,164-27,985,170, CCCGTCC deleted on the plus strand (GGACGGG on the coding strand, the reverse complement: OCA2 is on the minus strand); deleting any 7 consecutive bases within chr15:27,985,164-27,985,172 gives the same sequence; the c. name uses the placement nearest the transcript's 3' end. VCF-style (leftmost placement, unchanged base first): chr15-27985163-ACCCGTCC-A. GRCh37 (hg19) VCF-style: chr15-28230309-ACCCGTCC-A.
Other names: c.1186_1192del, p.Gly396fs (NM_001300984.2); short protein forms G396fs, G420fs.
Identifiers: ClinVar variation 1324828 (VCV001324828.5), dbSNP rs2140980232, ClinGen allele CA2573053977.